The following is an entry in ClinVar:

NM_002691.4(POLD1):c.1066A>T (p.Thr356Ser)

Gene: POLD1 (DNA polymerase delta 1, catalytic subunit; plus strand). Cytogenetic location: 19q13.33.
Variant type: single nucleotide variant.
Coding change: c.1066A>T on transcript NM_002691.4 (MANE Select); coding-DNA position 1066, A replaced by T.
Protein change: p.Thr356Ser; replaces threonine 356 with serine.
Molecular consequence: missense variant. On other transcripts: non-coding transcript variant (1).
Genome position (GRCh38, 1-based): chr19:50,403,148, A>T. VCF-style: chr19-50403148-A-T. GRCh37 (hg19) VCF-style: chr19-50906405-A-T.
Other names: c.1066A>T, p.Thr356Ser (NM_001256849.1, NM_001308632.1, NM_001438210.1 and 3 more transcripts); short protein forms T356S.
Identifiers: ClinVar variation 4669309 (VCV004669309.1).

ClinVar aggregate classification (germline): Uncertain significance (1 of 4 stars; one submission).

Conditions:
Hereditary cancer-predisposing syndrome. Also called: Neoplastic Syndromes, Hereditary; Tumor predisposition; Hereditary Cancer Syndrome; Hereditary neoplastic syndrome. Identifiers: Orphanet 140162, MedGen C0027672, MeSH D009386, MONDO:0015356.

Submission:

Ambry Genetics
Classification: Uncertain significance for Hereditary cancer-predisposing syndrome. Last evaluated: 2025-11-13. Review status: criteria provided, single submitter. Criteria: Ambry Variant Classification Scheme 2023. Collection method: clinical testing. Allele origin: germline.
Comment: The p.T356S variant (also known as c.1066A>T), located in coding exon 8 of the POLD1 gene, results from an A to T substitution at nucleotide position 1066. The threonine at codon 356 is replaced by serine, an amino acid with similar properties. This amino acid position is conserved. In addition, this alteration is predicted to be tolerated by in silico analysis. Based on the available evidence, the clinical significance of this variant remains unclear.